The following is an entry in ClinVar:

NM_000535.7(PMS2):c.903+4T>C

Gene: PMS2 (PMS1 homolog 2, mismatch repair system component; minus strand). Cytogenetic location: 7p22.1.
Variant type: single nucleotide variant.
Coding change: c.903+4T>C on transcript NM_000535.7 (MANE Select); 4 bases into the intron after coding-DNA position 903, T replaced by C.
Molecular consequence: intron variant.
Genome position (GRCh38, 1-based): chr7:5,995,530, A>G on the plus strand (T>C on the coding strand, the complement: PMS2 is on the minus strand). VCF-style: chr7-5995530-A-G. GRCh37 (hg19) VCF-style: chr7-6035161-A-G.
Other names: c.585+4T>C (NM_001322008.2, NM_001322007.2); c.498+4T>C (NM_001322010.2, NM_001322004.2, NM_001322003.2 and 2 more transcripts); c.330+4T>C (NM_001322013.2); c.-31+4T>C (NM_001322012.2, NM_001322011.2); c.594+4T>C (NM_001322015.2); c.903+4T>C (NM_001322006.2, NM_001322014.2).
Identifiers: ClinVar variation 219646 (VCV000219646.22), dbSNP rs753803330, ClinGen allele CA052313.

ClinVar aggregate classification (germline): Conflicting classifications of pathogenicity. Review status: criteria provided, conflicting classifications (1 of 4 stars). 6 submissions from 6 submitters: Uncertain significance (1); Likely benign (5). Last evaluated 2025-12-03.

Conditions:
Hereditary nonpolyposis colorectal neoplasms. Identifiers: MedGen C0009405, MeSH D003123.
PMS2-related disorder. Also called: PMS2-related condition.
Hereditary cancer-predisposing syndrome. Also called: Neoplastic Syndromes, Hereditary; Tumor predisposition; Hereditary Cancer Syndrome; Hereditary neoplastic syndrome. Identifiers: Orphanet 140162, MedGen C0027672, MeSH D009386, MONDO:0015356.
Lynch syndrome. Identifiers: Orphanet 144, MedGen C4552100, MONDO:0005835. Disease mechanism: loss of function.

Allele frequency attached by ClinVar (database versions not stated): TOPMed 0.00002.
gnomAD v4.1: 7 of 1,606,818 alleles (0.00044%); highest among the groups gnomAD compares: African/African-American, 0.0067%; no homozygotes.

Submissions (6):

PreventionGenetics, part of Exact Sciences
Classification: Likely benign for PMS2-related condition. Last evaluated: 2025-12-03. Review status: criteria provided, single submitter. Criteria: ACMG Guidelines, 2015. Collection method: clinical testing. Allele origin: germline.
Comment: This variant is classified as likely benign based on ACMG/AMP sequence variant interpretation guidelines (Richards et al. 2015 PMID: 25741868, with internal and published modifications).

Labcorp Genetics (formerly Invitae), Labcorp
Classification: Likely benign for Hereditary nonpolyposis colorectal neoplasms. Last evaluated: 2025-10-01. Review status: criteria provided, single submitter. Criteria: Invitae Variant Classification Sherloc (09022015). Collection method: clinical testing. Allele origin: germline.

Quest Diagnostics Nichols Institute San Juan Capistrano
Classification: Uncertain significance. Last evaluated: 2025-03-06. Review status: criteria provided, single submitter. Criteria: Quest Diagnostics criteria. Collection method: clinical testing. Allele origin: unknown.
Comment: The PMS2 c.903+4T>C variant has not been reported in individuals with PMS2-related conditions in the published literature. The frequency of this variant in the general population (Genome Aggregation Database) is uninformative in the assessment of its pathogenicity. Analysis of this variant using software algorithms for the prediction of the effect of nucleotide changes on splicing yielded predictions that this variant does not affect PMS2 mRNA splicing. Based on the available information, we are unable to determine the clinical significance of this variant.

All of Us Research Program, National Institutes of Health
Classification: Likely benign for Lynch syndrome. Last evaluated: 2024-05-30. Review status: criteria provided, single submitter. Criteria: ACMG Guidelines, 2015. Collection method: clinical testing. Allele origin: germline. Inheritance: Autosomal dominant inheritance. Observed: 1 variant allele, 1 heterozygote.
Comment: This study involves interpretation of variants in research participants for the purpose of population health screening. Participant phenotype was not available at the time of variant classification. Additional details can be found in publication PMID: 35346344, PMCID: PMC8962531

Ambry Genetics
Classification: Likely benign for Hereditary cancer-predisposing syndrome. Last evaluated: 2021-04-30. Review status: criteria provided, single submitter. Criteria: Ambry Variant Classification Scheme 2023. Collection method: clinical testing. Allele origin: germline.

Color Diagnostics, LLC DBA Color Health
Classification: Likely benign for Hereditary cancer-predisposing syndrome. Last evaluated: 2016-01-13. Review status: criteria provided, single submitter. Criteria: ACMG Guidelines, 2015. Collection method: clinical testing. Allele origin: germline.